The following is an entry in ClinVar:

ClinVar aggregate classification (germline): Uncertain significance. Review status: criteria provided, multiple submitters, no conflicts (2 of 4 stars). 2 submissions from 2 submitters: Uncertain significance (2). Last evaluated 2026-02-11.

Conditions:
Predisposition to Wilms tumor.

Allele frequency attached by ClinVar (database versions not stated): ESP Exome Variant Server 0.00008; gnomAD 0.00009; gnomAD exomes 0.00001; ExAC 0.00002; TOPMed 0.00010.
gnomAD v4.1: 30 of 1,612,048 alleles (0.0019%); highest among the groups gnomAD compares: African/African-American, 0.037%; no homozygotes.

Submissions (2):

St. Jude Molecular Pathology, St. Jude Children's Research Hospital
Classification: Uncertain significance for Predisposition to Wilms tumor. Last evaluated: 2026-02-11. Review status: criteria provided, single submitter. Criteria: St. Jude Assertion Criteria 2020. Collection method: clinical testing. Allele origin: germline.
Comment: The CTR9 c.1960+3G>A intronic change results in a G to A substitution at the +3 position of intron 15 of the CTR9 gene. Algorithms that predict the impact of sequence changes on splicing indicate that this variant may impact splicing. This variant has a maximum subpopulation frequency of 0.03% in gnomAD v2.1.1. To our knowledge, this variant has not been reported in individuals with Wilms tumor. In summary, the evidence currently available is insufficient to determine the clinical significance of this variant. It has therefore been classified as of uncertain significance.

Labcorp Genetics (formerly Invitae), Labcorp
Classification: Uncertain significance. Last evaluated: 2021-07-29. Review status: criteria provided, single submitter. Criteria: Invitae Variant Classification Sherloc (09022015). Collection method: clinical testing. Allele origin: germline.
Comment: This variant has not been reported in the literature in individuals affected with CTR9-related conditions. In summary, the available evidence is currently insufficient to determine the role of this variant in disease. Therefore, it has been classified as a Variant of Uncertain Significance. Nucleotide substitutions within the consensus splice site are a relatively common cause of aberrant splicing (PMID: 17576681, 9536098). Algorithms developed to predict the effect of sequence changes on RNA splicing suggest that this variant may create or strengthen a splice site. This variant is present in population databases (rs368111265, ExAC 0.03%). This sequence change falls in intron 15 of the CTR9 gene. It does not directly change the encoded amino acid sequence of the CTR9 protein. It affects a nucleotide within the consensus splice site of the intron.

Literature cited by the submitters: PubMed 17576681 (cited by Labcorp Genetics (formerly Invitae), Labcorp); PubMed 9536098 (cited by Labcorp Genetics (formerly Invitae), Labcorp).

NM_014633.5(CTR9):c.1960+3G>A

Gene: CTR9 (CTR9 component of Paf1/RNA polymerase II complex; plus strand). Cytogenetic location: 11p15.4.
Variant type: single nucleotide variant.
Coding change: c.1960+3G>A on transcript NM_014633.5 (MANE Select); 3 bases into the intron after coding-DNA position 1960, G replaced by A.
Molecular consequence: intron variant.
Genome position (GRCh38, 1-based): chr11:10,768,164, G>A. VCF-style: chr11-10768164-G-A. GRCh37 (hg19) VCF-style: chr11-10789711-G-A.
Other names: c.1960+3G>A (NM_001346279.2).
Identifiers: ClinVar variation 1397829 (VCV001397829.7), dbSNP rs368111265, ClinGen allele CA5885200.
Genomic context (GRCh38, chr11:10,768,164, plus strand): 5'-ATCTACAAACAAGTACTCAGAAATGATGCAAAGAATCTGTATGCTGCCAATGGCATAGGT[G>A]ATTATAAGACTTGAGTACCCATAACAATTTGTTTCAAATGAATACTTTCAGAGGAATGTT-3'